The following is an entry in ClinVar:

NM_182760.4(SUMF1):c.959del (p.Gly320fs)

Gene: SUMF1 (sulfatase modifying factor 1; minus strand). Cytogenetic location: 3p26.1.
Variant type: Deletion.
Coding change: c.959del on transcript NM_182760.4 (MANE Select); coding-DNA position 959, one base deleted (G; older notation c.959delG).
Protein change: p.Gly320fs; shifts the reading frame from glycine 320.
Molecular consequence: frameshift variant. On other transcripts: intron variant (1).
Genome position (GRCh38, 1-based): chr3:4,376,385, C deleted on the plus strand (G on the coding strand, the reverse complement: SUMF1 is on the minus strand); the first of 2 consecutive C bases (chr3:4,376,385-4,376,386); deleting either gives the same sequence. VCF-style (leftmost placement, unchanged base first): chr3-4376384-AC-A. GRCh37 (hg19) VCF-style: chr3-4418068-AC-A.
Other names: c.884del, p.Gly295fs (NM_001164674.2); c.955-14131del (NM_001164675.2); short protein forms G295fs, G320fs.
Identifiers: ClinVar variation 2843420 (VCV002843420.3), dbSNP rs2470862951, ClinGen allele CA2739277849.

ClinVar aggregate classification (germline): Pathogenic (1 of 4 stars; one submission).

Conditions:
Multiple sulfatase deficiency (MSD). Also called: Mucosulfatidosis; Multiple Sulfatase Deficiency Disease; Sulfatidosis, Juvenile, Austin Type. Identifiers: Orphanet 585, MedGen C0268263, MONDO:0010088, OMIM 272200.

Submission:

Labcorp Genetics (formerly Invitae), Labcorp
Classification: Pathogenic for Multiple sulfatase deficiency. Last evaluated: 2023-03-07. Review status: criteria provided, single submitter. Criteria: Invitae Variant Classification Sherloc (09022015). Collection method: clinical testing. Allele origin: germline.
Comment: For these reasons, this variant has been classified as Pathogenic. This variant disrupts a region of the SUMF1 protein in which other variant(s) (p.Arg349Trp) have been determined to be pathogenic (PMID: 12757705, 12757706, 15146462, 17657823, 17881260, 18157819, 24484558, 25373814, 25885655). This suggests that this is a clinically significant region of the protein, and that variants that disrupt it are likely to be disease-causing. Algorithms developed to predict the effect of sequence changes on RNA splicing suggest that this variant may disrupt the consensus splice site. This variant has not been reported in the literature in individuals affected with SUMF1-related conditions. This variant is not present in population databases (gnomAD no frequency). This sequence change creates a premature translational stop signal (p.Gly320Valfs*9) in the SUMF1 gene. While this is not anticipated to result in nonsense mediated decay, it is expected to disrupt the last 55 amino acid(s) of the SUMF1 protein.

Literature cited by the submitters: PubMed 12757705; PubMed 12757706; PubMed 15146462; PubMed 17657823; PubMed 17881260; PubMed 18157819; PubMed 24484558; PubMed 25373814; PubMed 25885655.